The following is an entry in ClinVar:

NM_000492.4(CFTR):c.922_926del (p.Ser308fs)

Gene: CFTR (CF transmembrane conductance regulator; plus strand). Cytogenetic location: 7q31.2.
Variant type: Deletion.
Coding change: c.922_926del on transcript NM_000492.4 (MANE Select); coding-DNA positions 922 to 926, 5 bases deleted (TCAGC; older notation c.922_926delTCAGC).
Protein change: p.Ser308fs; shifts the reading frame from serine 308.
Molecular consequence: frameshift variant.
Genome position (GRCh38, 1-based): chr7:117,540,152-117,540,156, TCAGC deleted; deleting any 5 consecutive bases within chr7:117,540,149-117,540,156 gives the same sequence; the c. name uses the placement nearest the transcript's 3' end. VCF-style (leftmost placement, unchanged base first): chr7-117540148-TAGCTC-T. GRCh37 (hg19) VCF-style: chr7-117180202-TAGCTC-T.
Other names: short protein forms S308fs.
Identifiers: ClinVar variation 1418949 (VCV001418949.6), dbSNP rs2116683702, ClinGen allele CA2573141557.

ClinVar aggregate classification (germline): Pathogenic (1 of 4 stars; one submission).

Conditions:
Cystic fibrosis (CF). Also called: MUCOVISCIDOSIS. Identifiers: Orphanet 586, MedGen C0010674, MONDO:0009061, OMIM 219700. Disease mechanism: loss of function.

Submission:

Labcorp Genetics (formerly Invitae), Labcorp
Classification: Pathogenic for Cystic fibrosis. Last evaluated: 2021-10-01. Review status: criteria provided, single submitter. Criteria: Invitae Variant Classification Sherloc (09022015). Collection method: clinical testing. Allele origin: germline.
Comment: For these reasons, this variant has been classified as Pathogenic. This variant has not been reported in the literature in individuals affected with CFTR-related conditions. This variant is not present in population databases (ExAC no frequency). This sequence change creates a premature translational stop signal (p.Ser308Leufs*54) in the CFTR gene. It is expected to result in an absent or disrupted protein product. Loss-of-function variants in CFTR are known to be pathogenic (PMID: 1695717, 7691345, 9725922).

Literature cited by the submitters: PubMed 1695717; PubMed 7691345; PubMed 9725922.